The following is an entry in ClinVar:

ClinVar aggregate classification (germline): Uncertain significance. Review status: criteria provided, multiple submitters, no conflicts (2 of 4 stars). 2 submissions from 2 submitters: Uncertain significance (2). Last evaluated 2025-01-05.

Conditions:
Tietz syndrome (TADS). Also called: HYPOPIGMENTATION/DEAFNESS OF TIETZ; TIETZ ALBINISM-DEAFNESS SYNDROME; ALBINISM-DEAFNESS OF TIETZ. Identifiers: Orphanet 42665, MedGen C0391816, MONDO:0007077, OMIM 103500.
Waardenburg syndrome type 2A (WS2A). Also called: WAARDENBURG SYNDROME WITHOUT DYSTOPIA CANTHORUM. Identifiers: Orphanet 3440, MedGen C1860339, MONDO:0008671, OMIM 193510.
Melanoma, cutaneous malignant, susceptibility to, 8. Also called: MELANOMA AND RENAL CELL CARCINOMA, SUSCEPTIBILITY TO; Cutaneous malignant melanoma 8. Identifiers: Orphanet 293822, MedGen C3152204, MONDO:0013759, OMIM 614456.
Hereditary cancer-predisposing syndrome. Also called: Hereditary neoplastic syndrome; Tumor predisposition; Hereditary Cancer Syndrome; Neoplastic Syndromes, Hereditary. Identifiers: Orphanet 140162, MedGen C0027672, MeSH D009386, MONDO:0015356.

gnomAD v4.1: 2 of 1,607,888 alleles (0.00012%); highest among the groups gnomAD compares: Middle Eastern, 0.017%; no homozygotes.

Submissions (2):

Ambry Genetics
Classification: Uncertain significance for Hereditary cancer-predisposing syndrome. Last evaluated: 2025-01-05. Review status: criteria provided, single submitter. Criteria: Ambry Variant Classification Scheme 2023. Collection method: clinical testing. Allele origin: germline.
Comment: The p.A145T variant (also known as c.433G>A), located in coding exon 4 of the MITF gene, results from a G to A substitution at nucleotide position 433. The alanine at codon 145 is replaced by threonine, an amino acid with similar properties. This amino acid position is conserved. In addition, this alteration is predicted to be tolerated by in silico analysis. Based on the available evidence, the clinical significance of this variant remains unclear.

Labcorp Genetics (formerly Invitae), Labcorp
Classification: Uncertain significance for Melanoma, cutaneous malignant, susceptibility to, 8; Waardenburg syndrome type 2A; Tietz syndrome. Last evaluated: 2024-07-30. Review status: criteria provided, single submitter. Criteria: Invitae Variant Classification Sherloc (09022015). Collection method: clinical testing. Allele origin: germline.
Comment: This sequence change replaces alanine, which is neutral and non-polar, with threonine, which is neutral and polar, at codon 145 of the MITF protein (p.Ala145Thr). This variant is not present in population databases (gnomAD no frequency). This variant has not been reported in the literature in individuals affected with MITF-related conditions. Advanced modeling of protein sequence and biophysical properties (such as structural, functional, and spatial information, amino acid conservation, physicochemical variation, residue mobility, and thermodynamic stability) performed at Invitae indicates that this missense variant is not expected to disrupt MITF protein function with a negative predictive value of 80%. In summary, the available evidence is currently insufficient to determine the role of this variant in disease. Therefore, it has been classified as a Variant of Uncertain Significance.

NM_001354604.2(MITF):c.754G>A (p.Ala252Thr)

Gene: MITF (melanocyte inducing transcription factor; plus strand). Cytogenetic location: 3p13.
Variant type: single nucleotide variant.
Coding change: c.754G>A on transcript NM_001354604.2 (MANE Select); coding-DNA position 754, G replaced by A.
Protein change: p.Ala252Thr; replaces alanine 252 with threonine.
Molecular consequence: missense variant.
Genome position (GRCh38, 1-based): chr3:69,941,323, G>A. VCF-style: chr3-69941323-G-A. GRCh37 (hg19) VCF-style: chr3-69990474-G-A.
Other names: c.433G>A, p.Ala145Thr (NM_000248.4, NM_198158.3); c.598G>A, p.Ala200Thr (NM_001184967.2, NM_001354608.2); c.751G>A, p.Ala251Thr (NM_001354605.2, NM_001354606.2, NM_006722.3); c.703G>A, p.Ala235Thr (NM_001354607.2); c.754G>A, p.Ala252Thr (NM_198159.3); c.706G>A, p.Ala236Thr (NM_198177.3); c.265G>A, p.Ala89Thr (NM_198178.3); short protein forms A145T, A200T, A235T, A236T, A251T, A252T, A89T.
Identifiers: ClinVar variation 3751243 (VCV003751243.3).